The following is an entry in ClinVar:

NM_003126.4(SPTA1):c.6749T>A (p.Leu2250Ter)

Gene: SPTA1 (spectrin alpha, erythrocytic 1; minus strand). Cytogenetic location: 1q23.1.
Variant type: single nucleotide variant.
Coding change: c.6749T>A on transcript NM_003126.4 (MANE Select); coding-DNA position 6749, T replaced by A.
Protein change: p.Leu2250Ter; replaces leucine 2250 with a stop codon.
Molecular consequence: nonsense.
Genome position (GRCh38, 1-based): chr1:158,615,255, A>T on the plus strand (T>A on the coding strand, the complement: SPTA1 is on the minus strand). VCF-style: chr1-158615255-A-T. GRCh37 (hg19) VCF-style: chr1-158585045-A-T.
Other names: p.Leu2250*; short protein forms L2250*.
Identifiers: ClinVar variation 2683194 (VCV002683194.1), dbSNP rs2526183559, ClinGen allele CA343013826.

ClinVar aggregate classification (germline): Likely pathogenic (1 of 4 stars; one submission).

Submission:

Mayo Clinic Laboratories, Mayo Clinic
Classification: Likely pathogenic. Last evaluated: 2022-09-30. Review status: criteria provided, single submitter. Criteria: ACMG Guidelines, 2015. Collection method: clinical testing. Allele origin: germline. Observed: 1 variant allele.
Comment: PM2, PVS1